The following is an entry in ClinVar:

NM_000512.5(GALNS):c.871G>T (p.Ala291Ser)

Gene: GALNS (galactosamine (N-acetyl)-6-sulfatase; minus strand). Cytogenetic location: 16q24.3.
Variant type: single nucleotide variant.
Coding change: c.871G>T on transcript NM_000512.5 (MANE Select); coding-DNA position 871, G replaced by T.
Protein change: p.Ala291Ser; replaces alanine 291 with serine.
Molecular consequence: missense variant.
Genome position (GRCh38, 1-based): chr16:88,835,240, C>A on the plus strand (G>T on the coding strand, the complement: GALNS is on the minus strand). VCF-style: chr16-88835240-C-A. GRCh37 (hg19) VCF-style: chr16-88901648-C-A.
Other names: c.316G>T, p.Ala106Ser (NM_001323543.2); c.889G>T, p.Ala297Ser (NM_001323544.2); short protein forms A291S, A106S, A297S.
Identifiers: ClinVar variation 379921 (VCV000379921.13), dbSNP rs118204448, ClinGen allele CA16607530.

ClinVar aggregate classification (germline): Conflicting classifications of pathogenicity. Review status: criteria provided, conflicting classifications (1 of 4 stars). 6 submissions from 6 submitters: Pathogenic (2); Likely pathogenic (2); Uncertain significance (2). Last evaluated 2024-03-15.

Conditions:
Morquio syndrome. Also called: Mucopolysaccharidosis, Type IV; MPS IV; Mucopolysaccharidosis type 4; Eccentrochondrodysplasia. Identifiers: Orphanet 582, MedGen C0026707, MONDO:0018938.
Mucopolysaccharidosis, MPS-IV-A (MPS4A). Also called: MORQUIO SYNDROME A; Mucopolysaccharidosis Type IVA; Morquio syndrome A, mild; GALACTOSAMINE-6-SULFATASE DEFICIENCY; GALNS DEFICIENCY; MORQUIO A DISEASE. Identifiers: Orphanet 309297, Orphanet 582, MedGen C0086651, MONDO:0009659, OMIM 253000.

Submissions (6):

Women's Health and Genetics/Laboratory Corporation of America, LabCorp
Classification: Pathogenic for Morquio syndrome. Last evaluated: 2024-03-15. Review status: criteria provided, single submitter. Criteria: LabCorp Variant Classification Summary - May 2015. Collection method: clinical testing. Allele origin: germline.
Comment: Variant summary: GALNS c.871G>T (p.Ala291Ser) results in a conservative amino acid change located in the Sulfatase, N-terminal domain (IPR000917) of the encoded protein sequence. Four of five in-silico tools predict a damaging effect of the variant on protein function. The frequency data for this variant in gnomAD is considered unreliable, as metrics indicate poor data quality at this position. c.871G>T has been reported in the literature in multiple homozygous and compound heterozygous individuals affected with Mucopolysaccharidosis Type IVA (Morquio Syndrome A). These data indicate that the variant is likely to be associated with disease. To our knowledge, no experimental evidence demonstrating an impact on protein function has been reported. A different variant located at the same codon (c.871G>A, p.Ala291Thr) has been classified as pathogenic by our lab, supporting a critical relevance of this residue to GALNS protein function. The following publications have been ascertained in the context of this evaluation (PMID: 25252036, Ullah_Turk J Biol_2017 (No PMID)). ClinVar contains an entry for this variant (Variation ID: 379921). Based on the evidence outlined above, the variant was classified as pathogenic.

Fulgent Genetics
Classification: Likely pathogenic for Mucopolysaccharidosis, MPS-IV-A. Last evaluated: 2024-03-14. Review status: criteria provided, single submitter. Criteria: ACMG Guidelines, 2015. Collection method: clinical testing. Allele origin: germline.

Revvity Omics, Revvity
Classification: Likely pathogenic for Mucopolysaccharidosis, MPS-IV-A. Last evaluated: 2023-02-09. Review status: criteria provided, single submitter. Criteria: ACMG Guidelines, 2015. Collection method: clinical testing. Allele origin: germline.

Genome-Nilou Lab
Classification: Uncertain significance for Mucopolysaccharidosis, MPS-IV-A. Last evaluated: 2021-11-07. Review status: criteria provided, single submitter. Criteria: ACMG Guidelines, 2015. Collection method: clinical testing. Allele origin: germline. Affected: no.

Laboratory of Diagnosis and Therapy of Lysosomal Disorders, University of Padova
Classification: Uncertain significance for Mucopolysaccharidosis, MPS-IV-A. Last evaluated: 2021-02-01. Review status: criteria provided, single submitter. Criteria: ACMG Guidelines, 2015. Collection method: curation. Allele origin: germline. Affected: yes.
Comment: In vivo functional studies supportive of a damaging effect on the gene product (low to null enzymatic activity in homozygotes; PS3_supporting); the prevalence of the variant in affected individuals is significantly increased compared with the prevalence in controls (PS4_supporting); absent from gnomAD v2.1.1 (PM2_moderate); multiple lines of computational evidence support a deleterious effect on the gene (PP3_supporting)

GeneDx
Classification: Pathogenic. Last evaluated: 2015-06-03. Review status: criteria provided, single submitter. Criteria: GeneDx Variant Classification (06012015). Collection method: clinical testing. Allele origin: germline. Affected: yes.
Comment: The A291S variant was found at a frequency of 5.88% in Indian patients with Morquiosyndrome (Bidchol et al. 2014). Individuals who were homozygous for A291S were reported to have asevere phenotype (Bidchol et al. 2014). Therefore, we interpret A291S as a pathogenic variant.

Literature cited by the submitters: PubMed 25252036 (cited by Women's Health and Genetics/Laboratory Corporation of America, LabCorp and Laboratory of Diagnosis and Therapy of Lysosomal Disorders, University of Padova); PubMed 34387910 (cited by Laboratory of Diagnosis and Therapy of Lysosomal Disorders, University of Padova).